The following is an entry in ClinVar:

NM_004370.6(COL12A1):c.7550C>G (p.Thr2517Ser)

Gene: COL12A1 (collagen type XII alpha 1 chain; minus strand). Cytogenetic location: 6q13.
Variant type: single nucleotide variant.
Coding change: c.7550C>G on transcript NM_004370.6 (MANE Select); coding-DNA position 7550, C replaced by G.
Protein change: p.Thr2517Ser; replaces threonine 2517 with serine.
Molecular consequence: missense variant.
Genome position (GRCh38, 1-based): chr6:75,116,027, G>C on the plus strand (C>G on the coding strand, the complement: COL12A1 is on the minus strand). VCF-style: chr6-75116027-G-C. GRCh37 (hg19) VCF-style: chr6-75825743-G-C.
Other names: c.4058C>G, p.Thr1353Ser (NM_080645.3); short protein forms T2517S, T1353S.
Identifiers: ClinVar variation 954777 (VCV000954777.10), dbSNP rs1468041100, ClinGen allele CA364745849.

ClinVar aggregate classification (germline): Uncertain significance (1 of 4 stars; one submission).

Conditions:
Ullrich congenital muscular dystrophy 2 (UCMD2). Identifiers: Orphanet 75840, MedGen C4225314, MONDO:0014654, OMIM 616470.
Bethlem myopathy 2 (BTHLM2). Identifiers: Orphanet 536516, Orphanet 610, MedGen C4225313, MONDO:0034022, OMIM 616471.

Allele frequency attached by ClinVar (database versions not stated): gnomAD exomes below 0.00001.
gnomAD v4.1: 1 of 1,613,362 alleles (0.000062%); highest among the groups gnomAD compares: Non-Finnish European, 0.000085%; no homozygotes.

Submission:

Labcorp Genetics (formerly Invitae), Labcorp
Classification: Uncertain significance for Bethlem myopathy 2; Ullrich congenital muscular dystrophy 2. Last evaluated: 2025-11-17. Review status: criteria provided, single submitter. Criteria: Invitae Variant Classification Sherloc (09022015). Collection method: clinical testing. Allele origin: germline.
Comment: This sequence change replaces threonine, which is neutral and polar, with serine, which is neutral and polar, at codon 2517 of the COL12A1 protein (p.Thr2517Ser). This variant is not present in population databases (gnomAD no frequency). This variant has not been reported in the literature in individuals affected with COL12A1-related conditions. ClinVar contains an entry for this variant (Variation ID: 954777). Invitae Evidence Modeling of protein sequence and biophysical properties (such as structural, functional, and spatial information, amino acid conservation, physicochemical variation, residue mobility, and thermodynamic stability) indicates that this missense variant is not expected to disrupt COL12A1 protein function with a negative predictive value of 80%. In summary, the available evidence is currently insufficient to determine the role of this variant in disease. Therefore, it has been classified as a Variant of Uncertain Significance.